The following is an entry in ClinVar:

ClinVar aggregate classification (germline): Uncertain significance (1 of 4 stars; one submission).

Conditions:
Pallister-Hall syndrome (PHS). Also called: HYPOTHALAMIC HAMARTOBLASTOMA, HYPOPITUITARISM, IMPERFORATE ANUS, AND POSTAXIAL POLYDACTYLY; GLI3-Related Pallister-Hall Syndrome. Identifiers: Orphanet 672, MedGen C0265220, MONDO:0007804, OMIM 146510.
Greig cephalopolysyndactyly syndrome (GCPS). Also called: GLI3-Related Greig Cephalopolysyndactyly Syndrome; POLYSYNDACTYLY WITH PECULIAR SKULL SHAPE; Greig syndrome. Identifiers: Orphanet 380, MedGen C0265306, MONDO:0008287, OMIM 175700.

Submission:

Labcorp Genetics (formerly Invitae), Labcorp
Classification: Uncertain significance for Pallister-Hall syndrome; Greig cephalopolysyndactyly syndrome. Last evaluated: 2024-09-27. Review status: criteria provided, single submitter. Criteria: Invitae Variant Classification Sherloc (09022015). Collection method: clinical testing. Allele origin: germline.
Comment: This sequence change replaces valine, which is neutral and non-polar, with methionine, which is neutral and non-polar, at codon 836 of the GLI3 protein (p.Val836Met). This variant is not present in population databases (gnomAD no frequency). This variant has not been reported in the literature in individuals affected with GLI3-related conditions. Invitae Evidence Modeling of protein sequence and biophysical properties (such as structural, functional, and spatial information, amino acid conservation, physicochemical variation, residue mobility, and thermodynamic stability) indicates that this missense variant is not expected to disrupt GLI3 protein function with a negative predictive value of 80%. In summary, the available evidence is currently insufficient to determine the role of this variant in disease. Therefore, it has been classified as a Variant of Uncertain Significance.

NM_000168.6(GLI3):c.2506G>A (p.Val836Met)

Gene: GLI3 (GLI family zinc finger 3; minus strand). Cytogenetic location: 7p14.1.
Variant type: single nucleotide variant.
Coding change: c.2506G>A on transcript NM_000168.6 (MANE Select); coding-DNA position 2506, G replaced by A.
Protein change: p.Val836Met; replaces valine 836 with methionine.
Molecular consequence: missense variant.
Genome position (GRCh38, 1-based): chr7:41,966,567, C>T on the plus strand (G>A on the coding strand, the complement: GLI3 is on the minus strand). VCF-style: chr7-41966567-C-T. GRCh37 (hg19) VCF-style: chr7-42006165-C-T.
Other names: short protein forms V836M.
Identifiers: ClinVar variation 3758705 (VCV003758705.2).